The following is an entry in ClinVar:

ClinVar aggregate classification (germline): Uncertain significance. Review status: criteria provided, multiple submitters, no conflicts (2 of 4 stars). 2 submissions from 2 submitters: Uncertain significance (2). Last evaluated 2024-07-24.

Conditions:
Hereditary cancer-predisposing syndrome. Also called: Neoplastic Syndromes, Hereditary; Hereditary neoplastic syndrome; Hereditary Cancer Syndrome; Tumor predisposition. Identifiers: Orphanet 140162, MedGen C0027672, MeSH D009386, MONDO:0015356.
Tuberous sclerosis 1 (TSC1). Identifiers: Orphanet 805, MedGen C1854465, MONDO:0008612, OMIM 191100.

Submissions (2):

Labcorp Genetics (formerly Invitae), Labcorp
Classification: Uncertain significance for Tuberous sclerosis 1. Last evaluated: 2024-07-24. Review status: criteria provided, single submitter. Criteria: Invitae Variant Classification Sherloc (09022015). Collection method: clinical testing. Allele origin: germline.
Comment: This sequence change replaces lysine, which is basic and polar, with glutamic acid, which is acidic and polar, at codon 375 of the TSC1 protein (p.Lys375Glu). This variant is not present in population databases (gnomAD no frequency). This variant has not been reported in the literature in individuals affected with TSC1-related conditions. ClinVar contains an entry for this variant (Variation ID: 589821). Advanced modeling of protein sequence and biophysical properties (such as structural, functional, and spatial information, amino acid conservation, physicochemical variation, residue mobility, and thermodynamic stability) performed at Invitae indicates that this missense variant is not expected to disrupt TSC1 protein function with a negative predictive value of 95%. In summary, the available evidence is currently insufficient to determine the role of this variant in disease. Therefore, it has been classified as a Variant of Uncertain Significance.

Ambry Genetics
Classification: Uncertain significance for Hereditary cancer-predisposing syndrome. Last evaluated: 2016-05-03. Review status: criteria provided, single submitter. Criteria: Ambry Variant Classification Scheme 2023. Collection method: clinical testing. Allele origin: germline.
Comment: The p.K375E variant (also known as c.1123A>G), located in coding exon 9 of the TSC1 gene, results from an A to G substitution at nucleotide position 1123. The lysine at codon 375 is replaced by glutamic acid, an amino acid with similar properties. This variant was not reported in population based cohorts in the following databases: Database of Single Nucleotide Polymorphisms (dbSNP), NHLBI Exome Sequencing Project (ESP), and 1000 Genomes Project. In the ESP, this variant was not observed in 6503 samples (13006 alleles) with coverage at this position. This amino acid position is well conserved in available vertebrate species. In addition, the in silico prediction for this alteration is inconclusive. Since supporting evidence is limited at this time, the clinical significance of this alteration remains unclear.

NM_000368.5(TSC1):c.1123A>G (p.Lys375Glu)

Gene: TSC1 (TSC complex subunit 1; minus strand). Cytogenetic location: 9q34.13.
Variant type: single nucleotide variant.
Coding change: c.1123A>G on transcript NM_000368.5 (MANE Select); coding-DNA position 1123, A replaced by G.
Protein change: p.Lys375Glu; replaces lysine 375 with glutamic acid.
Molecular consequence: missense variant.
Genome position (GRCh38, 1-based): chr9:132,911,020, T>C on the plus strand (A>G on the coding strand, the complement: TSC1 is on the minus strand). VCF-style: chr9-132911020-T-C. GRCh37 (hg19) VCF-style: chr9-135786407-T-C.
Other names: c.1123A>G, p.Lys375Glu (NM_001162426.2); c.970A>G, p.Lys324Glu (NM_001162427.2); c.760A>G, p.Lys254Glu (NM_001362177.2); short protein forms K375E, K254E, K324E.
Identifiers: ClinVar variation 589821 (VCV000589821.48), dbSNP rs1564487989, ClinGen allele CA375367361.